The following is an entry in ClinVar:

NM_001385641.1(SAMD11):c.2308C>T (p.Arg770Ter)

Gene: SAMD11 (sterile alpha motif domain containing 11; plus strand). Cytogenetic location: 1p36.33.
Variant type: single nucleotide variant.
Coding change: c.2308C>T on transcript NM_001385641.1 (MANE Select); coding-DNA position 2308, C replaced by T.
Protein change: p.Arg770Ter; replaces arginine 770 with a stop codon.
Molecular consequence: nonsense.
Genome position (GRCh38, 1-based): chr1:943,926, C>T. VCF-style: chr1-943926-C-T. GRCh37 (hg19) VCF-style: chr1-879306-C-T.
Other names: c.2311C>T, p.Arg771Ter (NM_001385640.1); c.1819C>T, p.Arg607Ter (NM_152486.4); short protein forms R607*, R771*, R770*.
Identifiers: ClinVar variation 1385303 (VCV001385303.6), dbSNP rs1372398647, ClinGen allele CA337817519.

ClinVar aggregate classification (germline): Uncertain significance (1 of 4 stars; one submission).

Allele frequency attached by ClinVar (database versions not stated): gnomAD 0.00001; TOPMed 0.00001.
gnomAD v4.1: 2 of 1,612,564 alleles (0.00012%); highest among the groups gnomAD compares: South Asian, 0.0011%; no homozygotes.

Submission:

Labcorp Genetics (formerly Invitae), Labcorp
Classification: Uncertain significance. Last evaluated: 2023-11-27. Review status: criteria provided, single submitter. Criteria: Invitae Variant Classification Sherloc (09022015). Collection method: clinical testing. Allele origin: germline.
Comment: This sequence change creates a premature translational stop signal (p.Arg607*) in the SAMD11 gene. While this is not anticipated to result in nonsense mediated decay, it is expected to disrupt the last 75 amino acid(s) of the SAMD11 protein. This variant is present in population databases (no rsID available, gnomAD 0.0009%). This variant has not been reported in the literature in individuals affected with SAMD11-related conditions. ClinVar contains an entry for this variant (Variation ID: 1385303). Experimental studies and prediction algorithms are not available or were not evaluated, and the functional significance of this variant is currently unknown. Algorithms developed to predict the effect of sequence changes on RNA splicing suggest that this variant may disrupt the consensus splice site. In summary, the available evidence is currently insufficient to determine the role of this variant in disease. Therefore, it has been classified as a Variant of Uncertain Significance.